The following is an entry in ClinVar:

ClinVar aggregate classification (germline): Likely benign (1 of 4 stars; one submission).

Allele frequency attached by ClinVar (database versions not stated): ExAC 0.00003; gnomAD 0.00003; TOPMed 0.00009.
gnomAD v4.1: 45 of 1,603,070 alleles (0.0028%); highest among the groups gnomAD compares: Middle Eastern, 0.033%; no homozygotes.

Submission:

CeGaT Center for Human Genetics Tuebingen
Classification: Likely benign. Last evaluated: 2022-04-01. Review status: criteria provided, single submitter. Criteria: CeGaT Center For Human Genetics Tuebingen Variant Classification Criteria Version 2. Collection method: clinical testing. Allele origin: germline. Affected: yes. Observed: 1 variant allele.
Comment: ZNF277: BP4, BP7

NM_021994.3(ZNF277):c.1170G>A (p.Thr390=)

Genes: ZNF277 (zinc finger protein 277; plus strand), ZNF277-AS1 (ZNF277 antisense RNA 1; minus strand). Cytogenetic location: 7q31.1.
Variant type: single nucleotide variant.
Coding change: c.1170G>A on transcript NM_021994.3 (MANE Select); coding-DNA position 1170, G replaced by A.
Protein change: p.Thr390=; no amino-acid change (threonine 390 retained).
Molecular consequence: synonymous variant.
Genome position (GRCh38, 1-based): chr7:112,341,032, G>A. VCF-style: chr7-112341032-G-A. GRCh37 (hg19) VCF-style: chr7-111981087-G-A.
Identifiers: ClinVar variation 2657949 (VCV002657949.24), dbSNP rs758853594, ClinGen allele CA4443388.